The following is an entry in ClinVar:

NM_000059.4(BRCA2):c.233_235del (p.Pro78_Ile79delinsLeu)

Gene: BRCA2 (BRCA2 DNA repair associated; plus strand). Cytogenetic location: 13q13.1.
Variant type: Deletion.
Coding change: c.233_235del on transcript NM_000059.4 (MANE Select); coding-DNA positions 233 to 235, 3 bases deleted (CAA; older notation c.233_235delCAA).
Protein change: p.Pro78_Ile79delinsLeu.
Molecular consequence: inframe indel. On other transcripts: 5 prime UTR variant (1), non-coding transcript variant (1).
Genome position (GRCh38, 1-based): chr13:32,319,242-32,319,244, CAA deleted. VCF-style (leftmost placement, unchanged base first): chr13-32319241-CCAA-C. GRCh37 (hg19) VCF-style: chr13-32893378-CCAA-C.
Other names: c.233_235del, p.Pro78_Ile79delinsLeu (NM_001406719.1, NM_001406720.1, NM_001406721.1 and 1 more transcripts); c.-137_-135del (NM_001406722.1).
Identifiers: ClinVar variation 5033250 (VCV005033250.1).
Genomic context (GRCh38, chr13:32,319,241, plus strand): 5'-GAACCAAACCTATTTAAAACTCCACAAAGGAAACCATCTTATAATCAGCTGGCTTCAACT[CCAA>C]TAATATTCAAAGAGCAAGGGCTGACTCTGCCGCTGTACCAATCTCCTGTAAAAGAATTAG-3'

ClinVar aggregate classification (germline): Uncertain significance (1 of 4 stars; one submission).

Conditions:
Hereditary cancer-predisposing syndrome. Also called: Neoplastic Syndromes, Hereditary; Tumor predisposition; Hereditary neoplastic syndrome; Hereditary Cancer Syndrome. Identifiers: Orphanet 140162, MedGen C0027672, MeSH D009386, MONDO:0015356.

Submission:

Ambry Genetics
Classification: Uncertain significance for Hereditary cancer-predisposing syndrome. Last evaluated: 2026-06-29. Review status: criteria provided, single submitter. Criteria: Ambry Variant Classification Scheme 2023. Collection method: clinical testing. Allele origin: germline.
Comment: The c.233_235delCAA variant (also known as p.P78_I79delinsL) is located in coding exon 2 of the BRCA2 gene. This variant results from an in-frame CAA deletion at nucleotide positions 233 to 235. This results in the deletion of two amino acids (PI) and the insertion of a leucine at codons 78 and 79. These amino acid positions are generally well conserved in available vertebrate species. In addition, the in silico prediction for this variant is inconclusive (Choi Y et al. PLoS ONE. 2012; 7(10):e46688). Based on the available evidence, the clinical significance of this variant remains unclear.